The following is an entry in ClinVar:

NM_014254.3(RXYLT1):c.421C>T (p.Gln141Ter)

Gene: RXYLT1 (ribitol xylosyltransferase 1; plus strand). Cytogenetic location: 12q14.2.
Variant type: single nucleotide variant.
Coding change: c.421C>T on transcript NM_014254.3 (MANE Select); coding-DNA position 421, C replaced by T.
Protein change: p.Gln141Ter; replaces glutamine 141 with a stop codon.
Molecular consequence: nonsense. On other transcripts: 5 prime UTR variant (1).
Genome position (GRCh38, 1-based): chr12:63,785,065, C>T. VCF-style: chr12-63785065-C-T. GRCh37 (hg19) VCF-style: chr12-64178845-C-T.
Other names: c.-360C>T (NM_001278237.2); short protein forms Q141*.
Identifiers: ClinVar variation 4774203 (VCV004774203.1).

ClinVar aggregate classification (germline): Pathogenic (1 of 4 stars; one submission).

Submission:

Labcorp Genetics (formerly Invitae), Labcorp
Classification: Pathogenic. Last evaluated: 2025-04-11. Review status: criteria provided, single submitter. Criteria: Invitae Variant Classification Sherloc (09022015). Collection method: clinical testing. Allele origin: germline.
Comment: This sequence change creates a premature translational stop signal (p.Gln141*) in the RXYLT1 gene. It is expected to result in an absent or disrupted protein product. Loss-of-function variants in RXYLT1 are known to be pathogenic (PMID: 23217329, 23519211, 31742715). This variant is not present in population databases (gnomAD no frequency). This variant has not been reported in the literature in individuals affected with RXYLT1-related conditions. For these reasons, this variant has been classified as Pathogenic.

Literature cited by the submitters: PubMed 23217329; PubMed 23519211; PubMed 31742715.